The following is an entry in ClinVar:

NM_004371.4(COPA):c.1849A>G (p.Asn617Asp)

Gene: COPA (coat protein complex I subunit alpha; minus strand). Cytogenetic location: 1q23.2.
Variant type: single nucleotide variant.
Coding change: c.1849A>G on transcript NM_004371.4 (MANE Select); coding-DNA position 1849, A replaced by G.
Protein change: p.Asn617Asp; replaces asparagine 617 with aspartic acid.
Molecular consequence: missense variant.
Genome position (GRCh38, 1-based): chr1:160,298,973, T>C on the plus strand (A>G on the coding strand, the complement: COPA is on the minus strand). VCF-style: chr1-160298973-T-C. GRCh37 (hg19) VCF-style: chr1-160268763-T-C.
Other names: c.1876A>G, p.Asn626Asp (NM_001098398.2); short protein forms N626D, N617D.
Identifiers: ClinVar variation 1041363 (VCV001041363.9), dbSNP rs1658504046, ClinGen allele CA343280475.

ClinVar aggregate classification (germline): Uncertain significance (1 of 4 stars; one submission).

Conditions:
Autoimmune interstitial lung disease-arthritis syndrome. Also called: Autoinflammation and autoimmunity, systemic, with immune dysregulation. Identifiers: Orphanet 444092, MedGen C5975714, MONDO:0014629.

Submission:

Labcorp Genetics (formerly Invitae), Labcorp
Classification: Uncertain significance for Autoimmune interstitial lung disease-arthritis syndrome. Last evaluated: 2020-02-17. Review status: criteria provided, single submitter. Criteria: Invitae Variant Classification Sherloc (09022015). Collection method: clinical testing. Allele origin: germline.
Comment: Algorithms developed to predict the effect of missense changes on protein structure and function (SIFT, PolyPhen-2, Align-GVGD) all suggest that this variant is likely to be tolerated, but these predictions have not been confirmed by published functional studies and their clinical significance is uncertain. In summary, the available evidence is currently insufficient to determine the role of this variant in disease. Therefore, it has been classified as a Variant of Uncertain Significance. This variant has not been reported in the literature in individuals with COPA-related conditions. This variant is not present in population databases (ExAC no frequency). This sequence change replaces asparagine with aspartic acid at codon 617 of the COPA protein (p.Asn617Asp). The asparagine residue is highly conserved and there is a small physicochemical difference between asparagine and aspartic acid.